The following is an entry in ClinVar:

NM_001486.4(GCKR):c.1422+4T>C

Gene: GCKR (glucokinase regulator; plus strand). Cytogenetic location: 2p23.3.
Variant type: single nucleotide variant.
Coding change: c.1422+4T>C on transcript NM_001486.4 (MANE Select); 4 bases into the intron after coding-DNA position 1422, T replaced by C.
Molecular consequence: intron variant.
Genome position (GRCh38, 1-based): chr2:27,508,255, T>C. VCF-style: chr2-27508255-T-C. GRCh37 (hg19) VCF-style: chr2-27731122-T-C.
Identifiers: ClinVar variation 3625007 (VCV003625007.2).

ClinVar aggregate classification (germline): Uncertain significance (1 of 4 stars; one submission).

Submission:

Labcorp Genetics (formerly Invitae), Labcorp
Classification: Uncertain significance. Last evaluated: 2024-04-23. Review status: criteria provided, single submitter. Criteria: Invitae Variant Classification Sherloc (09022015). Collection method: clinical testing. Allele origin: germline.
Comment: This sequence change falls in intron 16 of the GCKR gene. It does not directly change the encoded amino acid sequence of the GCKR protein. It affects a nucleotide within the consensus splice site. This variant is present in population databases (rs751723721, gnomAD 0.03%). This variant has not been reported in the literature in individuals affected with GCKR-related conditions. Variants that disrupt the consensus splice site are a relatively common cause of aberrant splicing (PMID: 17576681, 9536098). Algorithms developed to predict the effect of sequence changes on RNA splicing suggest that this variant is not likely to affect RNA splicing. In summary, the available evidence is currently insufficient to determine the role of this variant in disease. Therefore, it has been classified as a Variant of Uncertain Significance.

Literature cited by the submitters: PubMed 17576681; PubMed 9536098.